The following is an entry in ClinVar:

ClinVar aggregate classification (germline): Uncertain significance (1 of 4 stars; one submission).

gnomAD v4.1: 11 of 1,613,940 alleles (0.00068%); highest among the groups gnomAD compares: African/African-American, 0.012%; no homozygotes.

Submission:

Labcorp Genetics (formerly Invitae), Labcorp
Classification: Uncertain significance. Last evaluated: 2022-04-04. Review status: criteria provided, single submitter. Criteria: Invitae Variant Classification Sherloc (09022015). Collection method: clinical testing. Allele origin: germline.
Comment: This sequence change replaces proline, which is neutral and non-polar, with histidine, which is basic and polar, at codon 912 of the ACACA protein (p.Pro912His). This variant is present in population databases (rs371689992, gnomAD 0.02%). This variant has not been reported in the literature in individuals affected with ACACA-related conditions. Algorithms developed to predict the effect of missense changes on protein structure and function (SIFT, PolyPhen-2, Align-GVGD) all suggest that this variant is likely to be tolerated. In summary, the available evidence is currently insufficient to determine the role of this variant in disease. Therefore, it has been classified as a Variant of Uncertain Significance.

NM_198834.3(ACACA):c.2846C>A (p.Pro949His)

Gene: ACACA (acetyl-CoA carboxylase alpha; minus strand). Cytogenetic location: 17q12.
Variant type: single nucleotide variant.
Coding change: c.2846C>A on transcript NM_198834.3 (MANE Select); coding-DNA position 2846, C replaced by A.
Protein change: p.Pro949His; replaces proline 949 with histidine.
Molecular consequence: missense variant.
Genome position (GRCh38, 1-based): chr17:37,243,456, G>T on the plus strand (C>A on the coding strand, the complement: ACACA is on the minus strand). VCF-style: chr17-37243456-G-T. GRCh37 (hg19) VCF-style: chr17-35600372-G-T.
Other names: c.2735C>A, p.Pro912His (NM_198836.3, NM_198839.3); c.2561C>A, p.Pro854His (NM_198837.2); c.2501C>A, p.Pro834His (NM_198838.2); short protein forms P912H, P949H, P854H, P834H.
Identifiers: ClinVar variation 1959362 (VCV001959362.5), dbSNP rs371689992, ClinGen allele CA8515490.